The following is an entry in ClinVar:

NM_005732.4(RAD50):c.2782G>A (p.Glu928Lys)

Gene: RAD50 (RAD50 double strand break repair protein; plus strand). Cytogenetic location: 5q31.1.
Variant type: single nucleotide variant.
Coding change: c.2782G>A on transcript NM_005732.4 (MANE Select); coding-DNA position 2782, G replaced by A.
Protein change: p.Glu928Lys; replaces glutamic acid 928 with lysine.
Molecular consequence: missense variant.
Genome position (GRCh38, 1-based): chr5:132,608,678, G>A. VCF-style: chr5-132608678-G-A. GRCh37 (hg19) VCF-style: chr5-131944370-G-A.
Other names: short protein forms E928K.
Identifiers: ClinVar variation 821805 (VCV000821805.4), dbSNP rs866065555, ClinGen allele CA360958957.

ClinVar aggregate classification (germline): Uncertain significance (1 of 4 stars; one submission).

Conditions:
Hereditary cancer-predisposing syndrome. Also called: Tumor predisposition; Hereditary Cancer Syndrome; Neoplastic Syndromes, Hereditary; Hereditary neoplastic syndrome. Identifiers: Orphanet 140162, MedGen C0027672, MeSH D009386, MONDO:0015356.

Submission:

Ambry Genetics
Classification: Uncertain significance for Hereditary cancer-predisposing syndrome. Last evaluated: 2019-11-01. Review status: criteria provided, single submitter. Criteria: Ambry Variant Classification Scheme 2023. Collection method: clinical testing. Allele origin: germline.
Comment: The p.E928K variant (also known as c.2782G>A), located in coding exon 17 of the RAD50 gene, results from a G to A substitution at nucleotide position 2782. The glutamic acid at codon 928 is replaced by lysine, an amino acid with similar properties. This amino acid position is well conserved in available vertebrate species. In addition, this alteration is predicted to be tolerated by in silico analysis. Since supporting evidence is limited at this time, the clinical significance of this alteration remains unclear.